The following is an entry in ClinVar:

NM_001378418.1(TCF20):c.4138G>A (p.Val1380Ile)

Gene: TCF20 (transcription factor 20; minus strand). Cytogenetic location: 22q13.2.
Variant type: single nucleotide variant.
Coding change: c.4138G>A on transcript NM_001378418.1 (MANE Select); coding-DNA position 4138, G replaced by A.
Protein change: p.Val1380Ile; replaces valine 1380 with isoleucine.
Molecular consequence: missense variant.
Genome position (GRCh38, 1-based): chr22:42,211,168, C>T on the plus strand (G>A on the coding strand, the complement: TCF20 is on the minus strand). VCF-style: chr22-42211168-C-T. GRCh37 (hg19) VCF-style: chr22-42607174-C-T.
Other names: c.4138G>A, p.Val1380Ile (NM_005650.4, NM_181492.3); short protein forms V1380I.
Identifiers: ClinVar variation 2897969 (VCV002897969.3), dbSNP rs755149052, ClinGen allele CA10266708.
Genomic context (GRCh38, chr22:42,211,168, plus strand): 5'-CAGCAACACTCCCACCTTCAGGAGGACCACTCTTCAAAGACAGTATATCATCAAGCGTAA[C>T]CGTGTCTCCCCCAGCCTCCGCACTGTTCGAAGATGCGCTCCTCCTAATATTTGGGGATGT-3'
Protein context (NP_001365347.1, residues 1370-1390): SNSAEAGGDT[Val1380Ile]TLDDILSLKS

ClinVar aggregate classification (germline): Uncertain significance (1 of 4 stars; one submission).

Allele frequency attached by ClinVar (database versions not stated): gnomAD exomes below 0.00001; ExAC 0.00001.
gnomAD v4.1: 1 of 1,614,208 alleles (0.000062%); highest among the groups gnomAD compares: Admixed American, 0.0017%; no homozygotes.

Submission:

Labcorp Genetics (formerly Invitae), Labcorp
Classification: Uncertain significance. Last evaluated: 2024-01-02. Review status: criteria provided, single submitter. Criteria: Invitae Variant Classification Sherloc (09022015). Collection method: clinical testing. Allele origin: germline.
Comment: This sequence change replaces valine, which is neutral and non-polar, with isoleucine, which is neutral and non-polar, at codon 1380 of the TCF20 protein (p.Val1380Ile). This variant is present in population databases (rs755149052, gnomAD 0.003%). This variant has not been reported in the literature in individuals affected with TCF20-related conditions. An algorithm developed to predict the effect of missense changes on protein structure and function (PolyPhen-2) suggests that this variant is likely to be disruptive. In summary, the available evidence is currently insufficient to determine the role of this variant in disease. Therefore, it has been classified as a Variant of Uncertain Significance.